The following is an entry in ClinVar:

ClinVar aggregate classification (germline): Uncertain significance (1 of 4 stars; one submission).

Allele frequency attached by ClinVar (database versions not stated): ExAC 0.00001; TOPMed 0.00002; gnomAD exomes 0.00001; gnomAD 0.00002.
gnomAD v4.1: 11 of 1,612,138 alleles (0.00068%); highest among the groups gnomAD compares: Admixed American, 0.0017%; no homozygotes.

Submission:

Labcorp Genetics (formerly Invitae), Labcorp
Classification: Uncertain significance. Last evaluated: 2025-10-21. Review status: criteria provided, single submitter. Criteria: Invitae Variant Classification Sherloc (09022015). Collection method: clinical testing. Allele origin: germline.
Comment: This sequence change replaces lysine, which is basic and polar, with glutamine, which is neutral and polar, at codon 106 of the RPL35 protein (p.Lys106Gln). This variant is present in population databases (rs746054134, gnomAD 0.002%). This variant has not been reported in the literature in individuals affected with RPL35-related conditions. ClinVar contains an entry for this variant (Variation ID: 2883015). An algorithm developed to predict the effect of missense changes on protein structure and function (PolyPhen-2) suggests that this variant is likely to be tolerated. In summary, the available evidence is currently insufficient to determine the role of this variant in disease. Therefore, it has been classified as a Variant of Uncertain Significance.

NM_007209.4(RPL35):c.316A>C (p.Lys106Gln)

Gene: RPL35 (ribosomal protein L35; minus strand). Cytogenetic location: 9q33.3.
Variant type: single nucleotide variant.
Coding change: c.316A>C on transcript NM_007209.4 (MANE Select); coding-DNA position 316, A replaced by C.
Protein change: p.Lys106Gln; replaces lysine 106 with glutamine.
Molecular consequence: missense variant.
Genome position (GRCh38, 1-based): chr9:124,857,974, T>G on the plus strand (A>C on the coding strand, the complement: RPL35 is on the minus strand). VCF-style: chr9-124857974-T-G. GRCh37 (hg19) VCF-style: chr9-127620253-T-G.
Other names: short protein forms K106Q.
Identifiers: ClinVar variation 2883015 (VCV002883015.3), dbSNP rs746054134, ClinGen allele CA5237180.
Genomic context (GRCh38, chr9:124,857,974, plus strand): 5'-CCCCTCAGGCCTTGACCGCGTACTTCCGCAGCGGGTACAGCCGCTCCTTCCGCTGCTGCT[T>G]CTTGGTCTTCAGGTTCTCCTCGTGCTTGTTGAGCCGGCGGCGCATGGCACGTGTCTTCTT-3'
Protein context (NP_009140.1, residues 96-116): NKHEENLKTK[Lys106Gln]QQRKERLYPL